The following is an entry in ClinVar:

ClinVar aggregate classification (germline): Uncertain significance (1 of 4 stars; one submission).

Allele frequency attached by ClinVar (database versions not stated): gnomAD exomes below 0.00001.

Submission:

Labcorp Genetics (formerly Invitae), Labcorp
Classification: Uncertain significance. Last evaluated: 2024-06-03. Review status: criteria provided, single submitter. Criteria: Invitae Variant Classification Sherloc (09022015). Collection method: clinical testing. Allele origin: germline.
Comment: This sequence change replaces arginine, which is basic and polar, with tryptophan, which is neutral and slightly polar, at codon 541 of the ASXL1 protein (p.Arg541Trp). This variant is not present in population databases (gnomAD no frequency). This missense change has been observed in individual(s) with clinical features of ASXL1-related conditions (PMID: 32959227). An algorithm developed to predict the effect of missense changes on protein structure and function (PolyPhen-2) suggests that this variant is likely to be disruptive. In summary, the available evidence is currently insufficient to determine the role of this variant in disease. Therefore, it has been classified as a Variant of Uncertain Significance.

Literature cited by the submitters: PubMed 32959227.

NM_015338.6(ASXL1):c.1621C>T (p.Arg541Trp)

Gene: ASXL1 (ASXL transcriptional regulator 1; plus strand). Cytogenetic location: 20q11.21.
Variant type: single nucleotide variant.
Coding change: c.1621C>T on transcript NM_015338.6 (MANE Select); coding-DNA position 1621, C replaced by T.
Protein change: p.Arg541Trp; replaces arginine 541 with tryptophan.
Molecular consequence: missense variant.
Genome position (GRCh38, 1-based): chr20:32,433,819, C>T. VCF-style: chr20-32433819-C-T. GRCh37 (hg19) VCF-style: chr20-31021622-C-T.
Other names: c.1438C>T, p.Arg480Trp (NM_001363734.1); short protein forms R480W, R541W.
Identifiers: ClinVar variation 2780443 (VCV002780443.3), dbSNP rs2123268936, ClinGen allele CA408557522.